The following is an entry in ClinVar:

NM_152617.4(RNF168):c.1454A>G (p.Lys485Arg)

Gene: RNF168 (ring finger protein 168; minus strand). Cytogenetic location: 3q29.
Variant type: single nucleotide variant.
Coding change: c.1454A>G on transcript NM_152617.4 (MANE Select); coding-DNA position 1454, A replaced by G.
Protein change: p.Lys485Arg; replaces lysine 485 with arginine.
Molecular consequence: missense variant.
Genome position (GRCh38, 1-based): chr3:196,472,081, T>C on the plus strand (A>G on the coding strand, the complement: RNF168 is on the minus strand). VCF-style: chr3-196472081-T-C. GRCh37 (hg19) VCF-style: chr3-196198952-T-C.
Other names: short protein forms K485R.
Identifiers: ClinVar variation 3689629 (VCV003689629.2).

ClinVar aggregate classification (germline): Uncertain significance (1 of 4 stars; one submission).

Submission:

Labcorp Genetics (formerly Invitae), Labcorp
Classification: Uncertain significance. Last evaluated: 2024-07-07. Review status: criteria provided, single submitter. Criteria: Invitae Variant Classification Sherloc (09022015). Collection method: clinical testing. Allele origin: germline.
Comment: This sequence change replaces lysine, which is basic and polar, with arginine, which is basic and polar, at codon 485 of the RNF168 protein (p.Lys485Arg). This variant is not present in population databases (gnomAD no frequency). This variant has not been reported in the literature in individuals affected with RNF168-related conditions. Algorithms developed to predict the effect of missense changes on protein structure and function output the following: SIFT: "Not Available"; PolyPhen-2: "Benign"; Align-GVGD: "Not Available". The arginine amino acid residue is found in multiple mammalian species, which suggests that this missense change does not adversely affect protein function. In summary, the available evidence is currently insufficient to determine the role of this variant in disease. Therefore, it has been classified as a Variant of Uncertain Significance.